The following is an entry in ClinVar:

ClinVar aggregate classification (germline): Uncertain significance (1 of 4 stars; one submission).

Conditions:
Epilepsy, familial adult myoclonic, 5 (EPEO5). Also called: CORTICAL MYOCLONIC TREMOR WITH EPILEPSY, FAMILIAL, 5. Identifiers: Orphanet 86814, MedGen C3809374, MONDO:0014167, OMIM 615400.

Allele frequency attached by ClinVar (database versions not stated): gnomAD exomes below 0.00001 and 0.00001; TOPMed below 0.00001; ExAC 0.00001.
gnomAD v4.1: 13 of 1,613,896 alleles (0.00081%); highest among the groups gnomAD compares: South Asian, 0.0033%; no homozygotes.

Submission:

Labcorp Genetics (formerly Invitae), Labcorp
Classification: Uncertain significance for Epilepsy, familial adult myoclonic, 5. Last evaluated: 2022-06-20. Review status: criteria provided, single submitter. Criteria: Invitae Variant Classification Sherloc (09022015). Collection method: clinical testing. Allele origin: germline.
Comment: This sequence change replaces arginine, which is basic and polar, with histidine, which is basic and polar, at codon 646 of the CNTN2 protein (p.Arg646His). This variant is present in population databases (rs780787184, gnomAD 0.0009%). This variant has not been reported in the literature in individuals affected with CNTN2-related conditions. Advanced modeling of protein sequence and biophysical properties (such as structural, functional, and spatial information, amino acid conservation, physicochemical variation, residue mobility, and thermodynamic stability) performed at Invitae indicates that this missense variant is not expected to disrupt CNTN2 protein function. In summary, the available evidence is currently insufficient to determine the role of this variant in disease. Therefore, it has been classified as a Variant of Uncertain Significance.

NM_005076.5(CNTN2):c.1937G>A (p.Arg646His)

Gene: CNTN2 (contactin 2; plus strand). Cytogenetic location: 1q32.1.
Variant type: single nucleotide variant.
Coding change: c.1937G>A on transcript NM_005076.5 (MANE Select); coding-DNA position 1937, G replaced by A.
Protein change: p.Arg646His; replaces arginine 646 with histidine.
Molecular consequence: missense variant. On other transcripts: non-coding transcript variant (1).
Genome position (GRCh38, 1-based): chr1:205,066,561, G>A. VCF-style: chr1-205066561-G-A. GRCh37 (hg19) VCF-style: chr1-205035689-G-A.
Other names: c.1937G>A, p.Arg646His (NM_001346083.2); short protein forms R646H.
Identifiers: ClinVar variation 1415645 (VCV001415645.5), dbSNP rs780787184, ClinGen allele CA1351531.
Genomic context (GRCh38, chr1:205,066,561, plus strand): 5'-TCAGCTGGAGCCGTGGCTTCGACAACCACAGCCCCATCGCTAAGTACACCCTGCAAGCTC[G>A]CACTCCACCTGCAGGGAAGTGGAAGCAGGTTCGGACCAGTAAGTGTGAGCCCCACCTGGG-3'
Protein context (NP_005067.1, residues 636-656): SPIAKYTLQA[Arg646His]TPPAGKWKQV